The following is an entry in ClinVar:

NM_003664.5(AP3B1):c.1853A>G (p.Gln618Arg)

Gene: AP3B1 (adaptor related protein complex 3 subunit beta 1; minus strand). Cytogenetic location: 5q14.1.
Variant type: single nucleotide variant.
Coding change: c.1853A>G on transcript NM_003664.5 (MANE Select); coding-DNA position 1853, A replaced by G.
Protein change: p.Gln618Arg; replaces glutamine 618 with arginine.
Molecular consequence: missense variant.
Genome position (GRCh38, 1-based): chr5:78,128,145, T>C on the plus strand (A>G on the coding strand, the complement: AP3B1 is on the minus strand). VCF-style: chr5-78128145-T-C. GRCh37 (hg19) VCF-style: chr5-77423969-T-C.
Other names: c.1706A>G, p.Gln569Arg (NM_001271769.2); short protein forms Q618R, Q569R.
Identifiers: ClinVar variation 1353076 (VCV001353076.6), dbSNP rs2112298805, ClinGen allele CA360187194.

ClinVar aggregate classification (germline): Uncertain significance (1 of 4 stars; one submission).

Conditions:
Hermansky-Pudlak syndrome 2 (HPS2). Also called: Platelet defects and oculocutaneous albinism. Identifiers: Orphanet 183678, Orphanet 79430, MedGen C1842362, MONDO:0011997, OMIM 608233.

Allele frequency attached by ClinVar (database versions not stated): gnomAD exomes below 0.00001.
gnomAD v4.1: 2 of 1,607,420 alleles (0.00012%); highest among the groups gnomAD compares: Non-Finnish European, 0.00017%; no homozygotes.

Submission:

Labcorp Genetics (formerly Invitae), Labcorp
Classification: Uncertain significance for Hermansky-Pudlak syndrome 2. Last evaluated: 2021-09-26. Review status: criteria provided, single submitter. Criteria: Invitae Variant Classification Sherloc (09022015). Collection method: clinical testing. Allele origin: germline.
Comment: In summary, the available evidence is currently insufficient to determine the role of this variant in disease. Therefore, it has been classified as a Variant of Uncertain Significance. Algorithms developed to predict the effect of missense changes on protein structure and function (SIFT, PolyPhen-2, Align-GVGD) all suggest that this variant is likely to be tolerated. This variant has not been reported in the literature in individuals affected with AP3B1-related conditions. This variant is not present in population databases (ExAC no frequency). This sequence change replaces glutamine with arginine at codon 618 of the AP3B1 protein (p.Gln618Arg). The glutamine residue is highly conserved and there is a small physicochemical difference between glutamine and arginine.